The following is an entry in ClinVar:

ClinVar aggregate classification (germline): Benign/Likely benign. Review status: criteria provided, multiple submitters, no conflicts (2 of 4 stars). 3 submissions from 3 submitters: Benign (1); Likely benign (2). Last evaluated 2026-08-03.

Conditions:
Familial colorectal cancer type X. Identifiers: Orphanet 440437, MedGen C3896578, MONDO:0018604.

gnomAD v4.1: 13 of 1,613,134 alleles (0.00081%); highest among the groups gnomAD compares: Admixed American, 0.0017%; no homozygotes.

Submissions (3):

Myriad Genetics, Inc.
Classification: Benign for Familial colorectal cancer type X. Last evaluated: 2026-08-03. Review status: criteria provided, single submitter. Criteria: Myriad Autosomal Dominant, Autosomal Recessive and X-Linked Classification Criteria (2023). Collection method: clinical testing. Allele origin: unknown.
Comment: This variant is considered benign. This variant is a silent/synonymous amino acid change and it is not expected to impact splicing.

Labcorp Genetics (formerly Invitae), Labcorp
Classification: Likely benign. Last evaluated: 2023-02-27. Review status: criteria provided, single submitter. Criteria: Invitae Variant Classification Sherloc (09022015). Collection method: clinical testing. Allele origin: germline.

Ambry Genetics
Classification: Likely benign. Last evaluated: 2022-04-04. Review status: criteria provided, single submitter. Criteria: Ambry Variant Classification Scheme 2023. Collection method: clinical testing. Allele origin: germline.

NM_001023.4(RPS20):c.30C>G (p.Pro10=)

Gene: RPS20 (ribosomal protein S20; minus strand). Cytogenetic location: 8q12.1.
Variant type: single nucleotide variant.
Coding change: c.30C>G on transcript NM_001023.4 (MANE Select); coding-DNA position 30, C replaced by G.
Protein change: p.Pro10=; no amino-acid change (proline 10 retained).
Molecular consequence: synonymous variant.
Genome position (GRCh38, 1-based): chr8:56,074,133, G>C on the plus strand (C>G on the coding strand, the complement: RPS20 is on the minus strand). VCF-style: chr8-56074133-G-C. GRCh37 (hg19) VCF-style: chr8-56986692-G-C.
Other names: c.30C>G, p.Pro10= (NM_001146227.3).
Identifiers: ClinVar variation 1727602 (VCV001727602.6), dbSNP rs773291256, ClinGen allele CA4754468.